The following is an entry in ClinVar:

NM_001735.3(C5):c.4691G>A (p.Ser1564Asn)

Gene: C5 (complement C5; minus strand). Cytogenetic location: 9q33.2.
Variant type: single nucleotide variant.
Coding change: c.4691G>A on transcript NM_001735.3 (MANE Select); coding-DNA position 4691, G replaced by A.
Protein change: p.Ser1564Asn; replaces serine 1564 with asparagine.
Molecular consequence: missense variant.
Genome position (GRCh38, 1-based): chr9:120,957,356, C>T on the plus strand (G>A on the coding strand, the complement: C5 is on the minus strand). VCF-style: chr9-120957356-C-T. GRCh37 (hg19) VCF-style: chr9-123719634-C-T.
Other names: c.4709G>A, p.Ser1570Asn (NM_001317163.2); short protein forms S1570N, S1564N.
Identifiers: ClinVar variation 2126439 (VCV002126439.4), dbSNP rs2046793859, ClinGen allele CA374741749.

ClinVar aggregate classification (germline): Uncertain significance (1 of 4 stars; one submission).

Allele frequency attached by ClinVar (database versions not stated): gnomAD exomes below 0.00001; TOPMed below 0.00001; gnomAD 0.00001.
gnomAD v4.1: 2 of 1,612,292 alleles (0.00012%); highest among the groups gnomAD compares: African/African-American, 0.0013%; no homozygotes.

Submission:

Labcorp Genetics (formerly Invitae), Labcorp
Classification: Uncertain significance. Last evaluated: 2022-04-15. Review status: criteria provided, single submitter. Criteria: Invitae Variant Classification Sherloc (09022015). Collection method: clinical testing. Allele origin: germline.
Comment: This variant is not present in population databases (gnomAD no frequency). In summary, the available evidence is currently insufficient to determine the role of this variant in disease. Therefore, it has been classified as a Variant of Uncertain Significance. Algorithms developed to predict the effect of missense changes on protein structure and function (SIFT, PolyPhen-2, Align-GVGD) all suggest that this variant is likely to be tolerated. This variant has not been reported in the literature in individuals affected with C5-related conditions. This sequence change replaces serine, which is neutral and polar, with asparagine, which is neutral and polar, at codon 1564 of the C5 protein (p.Ser1564Asn).